The following is an entry in ClinVar:

NM_004629.2(FANCG):c.906_907delinsAT (p.Ser302Arg)

Gene: FANCG (FA complementation group G; minus strand). Cytogenetic location: 9p13.3.
Variant type: Indel.
Coding change: c.906_907delinsAT on transcript NM_004629.2 (MANE Select); coding-DNA positions 906 to 907, TC replaced by AT.
Protein change: p.Ser302Arg; replaces serine 302 with arginine.
Molecular consequence: missense variant.
Genome position (GRCh38, 1-based): chr9:35,076,741-35,076,742, GA replaced by AT on the plus strand (TC replaced by AT on the coding strand, the reverse complement: FANCG is on the minus strand). VCF-style: chr9-35076741-GA-AT. GRCh37 (hg19) VCF-style: chr9-35076738-GA-AT.
Other names: short protein forms S302R.
Identifiers: ClinVar variation 2731755 (VCV002731755.3), dbSNP rs2490402419, ClinGen allele CA2697557742.

ClinVar aggregate classification (germline): Uncertain significance (1 of 4 stars; one submission).

Conditions:
Fanconi anemia (FA). Also called: Fanconi's anemia. Identifiers: Orphanet 84, MedGen C0015625, MeSH D005199, MONDO:0019391.

Submission:

Labcorp Genetics (formerly Invitae), Labcorp
Classification: Uncertain significance for Fanconi anemia. Last evaluated: 2023-06-30. Review status: criteria provided, single submitter. Criteria: Invitae Variant Classification Sherloc (09022015). Collection method: clinical testing. Allele origin: germline.
Comment: In summary, the available evidence is currently insufficient to determine the role of this variant in disease. Therefore, it has been classified as a Variant of Uncertain Significance. Experimental studies and prediction algorithms are not available or were not evaluated, and the functional significance of this variant is currently unknown. This variant has not been reported in the literature in individuals affected with FANCG-related conditions. Information on the frequency of this variant in the gnomAD database is not available, as this variant may be reported differently in the database. This sequence change replaces serine, which is neutral and polar, with arginine, which is basic and polar, at codon 302 of the FANCG protein (p.Ser302Arg).